The following is an entry in ClinVar:

NM_000069.3(CACNA1S):c.3257G>A (p.Arg1086His)

Gene: CACNA1S (calcium voltage-gated channel subunit alpha1 S; minus strand). Cytogenetic location: 1q32.1.
Variant type: single nucleotide variant.
Coding change: c.3257G>A on transcript NM_000069.3 (MANE Select); coding-DNA position 3257, G replaced by A.
Protein change: p.Arg1086His; replaces arginine 1086 with histidine.
Molecular consequence: missense variant.
Genome position (GRCh38, 1-based): chr1:201,060,815, C>T on the plus strand (G>A on the coding strand, the complement: CACNA1S is on the minus strand). VCF-style: chr1-201060815-C-T. GRCh37 (hg19) VCF-style: chr1-201029943-C-T.
Other names: short protein forms R1086H.
Identifiers: ClinVar variation 17626 (VCV000017626.22), dbSNP rs1800559, ClinGen allele CA004044.

ClinVar aggregate classification (germline): drug response. Review status: reviewed by expert panel (3 of 4 stars). 13 submissions from 7 submitters: drug response (7). 6 of the submissions do not count toward it. Last evaluated 2021-03-24.

Conditions:
Malignant hyperthermia, susceptibility to, 5 (MHS5). Also called: CACNA1S-Related Malignant Hyperthermia Susceptibility. Identifiers: Orphanet 423, MedGen C1866077, MONDO:0011163, OMIM 601887.
Hypokalemic periodic paralysis, type 1. Also called: HypoPP; Hypokalemic Periodic Paralysis Type 1 (AD). Identifiers: Orphanet 681, MedGen C3714580, MONDO:0042979, OMIM 170400.
Inborn genetic diseases. Identifiers: MedGen C0950123, MeSH D030342.
enflurane response - Toxicity.
halothane response - Toxicity.
isoflurane response - Toxicity.
methoxyflurane response - Toxicity.
sevoflurane response - Toxicity.
succinylcholine response - Toxicity.
desflurane response - Toxicity.

gnomAD v4.1: 10 of 1,614,180 alleles (0.00062%); highest among the groups gnomAD compares: East Asian, 0.0022%; no homozygotes.

Submissions (13):

ClinPGx
Classification: drug response for enflurane response - Toxicity. Last evaluated: 2021-03-24. Review status: reviewed by expert panel. Criteria: Pharmacogenomics knowledge for personalized medicine. Collection method: curation. Allele origin: germline. Affected: yes.
Comment: PharmGKB Level of Evidence 1A: Level 1A clinical annotations describe variant-drug combinations that have variant-specific prescribing guidance available in a current clinical guideline annotation or an FDA-approved drug label annotation. Annotations of drug labels or clinical guidelines must give prescribing guidance for specific variants (e.g. CYP2C9*3, HLA-B*57:01) or provide mapping from defined allele functions to diplotypes and phenotypes to be used as supporting evidence for a level 1A clinical annotation. Level 1A clinical annotations must also be supported by at least one publication in addition to a clinical guideline or drug label with variant-specific prescribing guidance.

Drug is not necessarily used to treat response condition

ClinPGx
Classification: drug response for halothane response - Toxicity. Last evaluated: 2021-03-24. Review status: reviewed by expert panel. Criteria: Pharmacogenomics knowledge for personalized medicine. Collection method: curation. Allele origin: germline. Affected: yes.
Comment: the same text as in the submission from ClinPGx above.

ClinPGx
Classification: drug response for isoflurane response - Toxicity. Last evaluated: 2021-03-24. Review status: reviewed by expert panel. Criteria: Pharmacogenomics knowledge for personalized medicine. Collection method: curation. Allele origin: germline. Affected: yes.
Comment: the same text as in the submission from ClinPGx above.

ClinPGx
Classification: drug response for methoxyflurane response - Toxicity. Last evaluated: 2021-03-24. Review status: reviewed by expert panel. Criteria: Pharmacogenomics knowledge for personalized medicine. Collection method: curation. Allele origin: germline. Affected: yes.
Comment: PharmGKB Level of Evidence 1A: Level 1A clinical annotations describe variant-drug combinations that have variant-specific prescribing guidance available in a current clinical guideline annotation or an FDA-approved drug label annotation. Annotations of drug labels or clinical guidelines must give prescribing guidance for specific variants (e.g. CYP2C9*3, HLA-B*57:01) or provide mapping from defined allele functions to diplotypes and phenotypes to be used as supporting evidence for a level 1A clinical annotation. Level 1A clinical annotations must also be supported by at least one publication in addition to a clinical guideline or drug label with variant-specific prescribing guidance.

ClinPGx
Classification: drug response for sevoflurane response - Toxicity. Last evaluated: 2021-03-24. Review status: reviewed by expert panel. Criteria: Pharmacogenomics knowledge for personalized medicine. Collection method: curation. Allele origin: germline. Affected: yes.
Comment: the same text as in the submission from ClinPGx above.

ClinPGx
Classification: drug response for succinylcholine response - Toxicity. Last evaluated: 2021-03-24. Review status: reviewed by expert panel. Criteria: Pharmacogenomics knowledge for personalized medicine. Collection method: curation. Allele origin: germline. Affected: yes.
Comment: the same text as in the submission from ClinPGx above.

ClinPGx
Classification: drug response for desflurane response - Toxicity. Last evaluated: 2021-03-24. Review status: reviewed by expert panel. Criteria: Pharmacogenomics knowledge for personalized medicine. Collection method: curation. Allele origin: germline. Affected: yes.
Comment: the same text as in the submission from ClinPGx above.

GeneDx
Classification: Pathogenic. Last evaluated: 2026-08-25. Review status: criteria provided, single submitter. Criteria: GeneDx Variant Classification Process June 2021. Collection method: clinical testing. Allele origin: germline. Not counted in ClinVar's aggregate classification.
Comment: Published functional studies demonstrate a damaging effect by enhancing RYR1 sensitivity to activation by endogenous and exogenous activators (PMID: 15201141); Not observed at significant frequency in large population cohorts (gnomAD); In silico analysis supports that this missense variant has a deleterious effect on protein structure/function; Also known as c.3333G>A; This variant is associated with the following publications: (PMID: 20431982, 19825159, 11260227, 31851124, 34256322, 27147545, 34608571, 9199552, 15201141)

Ambry Genetics
Classification: Pathogenic for Inborn genetic diseases. Last evaluated: 2026-04-27. Review status: criteria provided, single submitter. Criteria: Ambry Variant Classification Scheme 2023. Collection method: clinical testing. Allele origin: germline. Not counted in ClinVar's aggregate classification.
Comment: The c.3257G>A (p.R1086H) alteration is located in exon 26 (coding exon 26) of the CACNA1S gene. This alteration results from a G to A substitution at nucleotide position 3257, causing the arginine (R) at amino acid position 1086 to be replaced by a histidine (H). This allele was reported in one heterozygous individual in population-based cohorts in the Genome Aggregation Database (gnomAD). This variant was reported in individual(s) with features consistent with CACNA1S-related malignant hyperthermia susceptibility, and segregated with disease in at least one family (Monnier, 1997; Stewart, 2001; Monnier, 2002). This amino acid position is highly conserved in available vertebrate species. This alteration is predicted to be deleterious by in silico analysis. Based on the available evidence, this alteration is classified as pathogenic.

Labcorp Genetics (formerly Invitae), Labcorp
Classification: Pathogenic for Hypokalemic periodic paralysis, type 1; Malignant hyperthermia, susceptibility to, 5. Last evaluated: 2025-06-01. Review status: criteria provided, single submitter. Criteria: Invitae Variant Classification Sherloc (09022015). Collection method: clinical testing. Allele origin: germline. Not counted in ClinVar's aggregate classification.
Comment: This sequence change replaces arginine, which is basic and polar, with histidine, which is basic and polar, at codon 1086 of the CACNA1S protein (p.Arg1086His). This variant is present in population databases (rs1800559, gnomAD 0.003%). This missense change has been observed in individual(s) with malignant hyperthermia susceptibility (PMID: 9199552, 11260227, 16163667). It has also been observed to segregate with disease in related individuals. ClinVar contains an entry for this variant (Variation ID: 17626). Invitae Evidence Modeling of protein sequence and biophysical properties (such as structural, functional, and spatial information, amino acid conservation, physicochemical variation, residue mobility, and thermodynamic stability) has been performed for this missense variant. However, the output from this modeling did not meet the statistical confidence thresholds required to predict the impact of this variant on CACNA1S protein function. Experimental studies have shown that this missense change affects CACNA1S function (PMID: 20213496). For these reasons, this variant has been classified as Pathogenic.

Color Diagnostics, LLC DBA Color Health
Classification: Pathogenic for Malignant hyperthermia, susceptibility to, 5. Last evaluated: 2023-08-01. Review status: criteria provided, single submitter. Criteria: ACMG Guidelines, 2015. Collection method: clinical testing. Allele origin: germline. Not counted in ClinVar's aggregate classification.
Comment: This missense variant replaces arginine with histidine at codon 1086 of the CACNA1S protein. Computational prediction suggests that this variant may have deleterious impact on protein structure and function (internally defined REVEL score threshold >= 0.7, PMID: 27666373). A functional study has shown that this variant results in the increased sensitivity to RYR1 agonist (caffeine) (PMID: 15201141). This variant has been reported in multiple individuals affected with malignant hyperthermia susceptibility (PMID: 9199552, 11260227, 12411788). This variant has been shown to segregate with disease in three unrelated families (over ten informative meiosis; PMID: 9199552, 11260227, 12411788). This variant has been identified in 1/251440 chromosomes in the general population by the Genome Aggregation Database (gnomAD). Based on the available evidence, this variant is classified as Pathogenic.

All of Us Research Program, National Institutes of Health
Classification: Pathogenic for Malignant hyperthermia, susceptibility to, 5. Last evaluated: 2023-06-20. Review status: criteria provided, single submitter. Criteria: ACMG Guidelines, 2015. Collection method: clinical testing. Allele origin: germline. Inheritance: Autosomal dominant inheritance. Observed: 1 variant allele, 1 heterozygote. Not counted in ClinVar's aggregate classification.
Comment: Functional studies suggest that this variant results in a deleterious effect on the protein (PMID: 15201141). This variant has been reported in multiple individuals with malignant hyperthermia susceptibility (PMID: 26188342, 31851124, 28011884, 9199552, 11260227, 12411788, 20431982). This variant is present in 1/251440 total alleles in the Genome Aggregation Database. A different missense substitution at this amino acid residue has been previously reported in individual(s) with disease and classified as likely pathogenic, which supports the functional importance of this position. This variant has been reported to co-segregate with disease in affected individuals in one family (PMID: 9199552). This variant is predicted to be deleterious by in silico analysis.

This study involves interpretation of variants in research participants for the purpose of population health screening. Participant phenotype was not available at the time of variant classification. Additional details can be found in publication PMID: 35346344, PMCID: PMC8962531

OMIM
Classification: risk factor for MALIGNANT HYPERTHERMIA, SUSCEPTIBILITY TO, 5. Last evaluated: 2001-03-01. Review status: no assertion criteria provided. Collection method: literature only. Allele origin: germline. Not counted in ClinVar's aggregate classification.

Literature cited by the submitters: PubMed 12411788 (cited by 4 submitters); PubMed 15201141 (cited by 3 submitters); PubMed 16163667 (cited by ClinPGx and Labcorp Genetics (formerly Invitae), Labcorp); PubMed 11260227 (cited by 6 submitters); PubMed 9199552 (cited by 6 submitters); PubMed 20213496 (cited by Labcorp Genetics (formerly Invitae), Labcorp); PubMed 20431982 (cited by All of Us Research Program, National Institutes of Health); PubMed 26188342 (cited by All of Us Research Program, National Institutes of Health); PubMed 28011884 (cited by All of Us Research Program, National Institutes of Health); PubMed 31851124 (cited by All of Us Research Program, National Institutes of Health).